The following is an entry in ClinVar:

NM_002529.4(NTRK1):c.922C>T (p.Gln308Ter)

Gene: NTRK1 (neurotrophic receptor tyrosine kinase 1; plus strand). Cytogenetic location: 1q23.1.
Variant type: single nucleotide variant.
Coding change: c.922C>T on transcript NM_002529.4 (MANE Select); coding-DNA position 922, C replaced by T.
Protein change: p.Gln308Ter; replaces glutamine 308 with a stop codon.
Molecular consequence: nonsense.
Genome position (GRCh38, 1-based): chr1:156,873,704, C>T. VCF-style: chr1-156873704-C-T. GRCh37 (hg19) VCF-style: chr1-156843496-C-T.
Other names: c.922C>T, p.Gln308Ter (NM_001007204.1, NM_001012331.2); c.832C>T, p.Gln278Ter (NM_001007792.1); short protein forms Q278*, Q308*.
Identifiers: ClinVar variation 2069378 (VCV002069378.4), dbSNP rs993479544, ClinGen allele CA31115159.

ClinVar aggregate classification (germline): Pathogenic (1 of 4 stars; one submission).

Conditions:
Hereditary insensitivity to pain with anhidrosis (CIPA). Also called: NTRK1 Congenital Insensitivity to Pain with Anhidrosis; hereditary sensory and autonomic neuropathy type 4; INSENSITIVITY TO PAIN, CONGENITAL, WITH ANHIDROSIS; NEUROPATHY, CONGENITAL SENSORY, WITH ANHIDROSIS; HSAN Type IV; FAMILIAL DYSAUTONOMIA, TYPE II. Identifiers: Orphanet 642, MedGen C0020074, MONDO:0009746, OMIM 256800.

Allele frequency attached by ClinVar (database versions not stated): TOPMed below 0.00001.

Submission:

Labcorp Genetics (formerly Invitae), Labcorp
Classification: Pathogenic for Hereditary insensitivity to pain with anhidrosis. Last evaluated: 2022-06-08. Review status: criteria provided, single submitter. Criteria: Invitae Variant Classification Sherloc (09022015). Collection method: clinical testing. Allele origin: germline.
Comment: This variant is not present in population databases (gnomAD no frequency). For these reasons, this variant has been classified as Pathogenic. This variant has not been reported in the literature in individuals affected with NTRK1-related conditions. This sequence change creates a premature translational stop signal (p.Gln308*) in the NTRK1 gene. It is expected to result in an absent or disrupted protein product. Loss-of-function variants in NTRK1 are known to be pathogenic (PMID: 10982191).

Literature cited by the submitters: PubMed 10982191.